The following is an entry in ClinVar:

ClinVar aggregate classification (germline): Conflicting classifications of pathogenicity. Review status: criteria provided, conflicting classifications (1 of 4 stars). 5 submissions from 5 submitters: Pathogenic (1); Likely pathogenic (1); Uncertain significance (2). 1 of the submissions does not count toward it. Last evaluated 2025-06-04.

Conditions:
MYH7-related disorder. Also called: MYH7-related condition; MYH7-related disease; MYH7-related disorders.
Hypertrophic cardiomyopathy. Also called: HYPERTROPHIC MYOCARDIOPATHY. Identifiers: Orphanet 217569, MedGen C0007194, MeSH D002312, MONDO:0005045, HP:0001639.

Allele frequency attached by ClinVar (database versions not stated): ExAC 0.00001; gnomAD 0.00001.

Submissions (5):

GeneDx
Classification: Pathogenic. Last evaluated: 2025-06-04. Review status: criteria provided, single submitter. Criteria: GeneDx Variant Classification Process June 2021. Collection method: clinical testing. Allele origin: germline. Affected: yes.
Comment: Not observed at significant frequency in large population cohorts (gnomAD); In silico analysis supports that this missense variant has a deleterious effect on protein structure/function; Has not been previously published as pathogenic or benign to our knowledge

Blueprint Genetics
Classification: Uncertain significance. Last evaluated: 2024-01-12. Review status: criteria provided, single submitter. Criteria: ACMG Guidelines, 2015. Collection method: clinical testing. Allele origin: germline.

CeGaT Center for Human Genetics Tuebingen
Classification: Likely pathogenic. Last evaluated: 2022-07-01. Review status: criteria provided, single submitter. Criteria: CeGaT Center For Human Genetics Tuebingen Variant Classification Criteria Version 2. Collection method: clinical testing. Allele origin: germline. Affected: yes. Observed: 1 variant allele.
Comment: MYH7: PM1, PM2, PS2:Moderate, PP2, PP4

Labcorp Genetics (formerly Invitae), Labcorp
Classification: Uncertain significance for Hypertrophic cardiomyopathy. Last evaluated: 2022-06-13. Review status: criteria provided, single submitter. Criteria: Invitae Variant Classification Sherloc (09022015). Collection method: clinical testing. Allele origin: germline.
Comment: In summary, the available evidence is currently insufficient to determine the role of this variant in disease. Therefore, it has been classified as a Variant of Uncertain Significance. Algorithms developed to predict the effect of missense changes on protein structure and function are either unavailable or do not agree on the potential impact of this missense change (SIFT: "Deleterious"; PolyPhen-2: "Possibly Damaging"; Align-GVGD: "Class C0"). ClinVar contains an entry for this variant (Variation ID: 451564). This variant has not been reported in the literature in individuals affected with MYH7-related conditions. This variant is present in population databases (rs773740053, gnomAD 0.007%). This sequence change replaces glutamic acid, which is acidic and polar, with lysine, which is basic and polar, at codon 149 of the MYH7 protein (p.Glu149Lys).

PreventionGenetics, part of Exact Sciences
Classification: Uncertain significance for MYH7-related condition. Last evaluated: 2024-02-09. Review status: no assertion criteria provided. Collection method: clinical testing. Allele origin: germline. Not counted in ClinVar's aggregate classification.
Comment: The MYH7 c.445G>A variant is predicted to result in the amino acid substitution p.Glu149Lys. To our knowledge, this variant has not been reported in the literature. This variant is reported in 0.0062% of alleles in individuals of African descent in gnomAD. This variant has been classified as a variant of uncertain significance and as likely pathogenic by different clinical submitters in ClinVar. Missense variants at a nearby residue (p.Ser148Arg, p.Ser148Ile) have been reported in individuals with hypertrophic cardiomyopathy suggesting the region may be important for protein function (Mohiddin SA et al. 2003. PubMed ID: 12820698; Khan RS et al. 2022. PubMed ID: 34935411). Although we suspect that this variant may be pathogenic, at this time, the clinical significance of this variant is uncertain due to the absence of conclusive functional and genetic evidence.

NM_000257.4(MYH7):c.445G>A (p.Glu149Lys)

Gene: MYH7 (myosin heavy chain 7; minus strand). Cytogenetic location: 14q11.2.
Variant type: single nucleotide variant.
Coding change: c.445G>A on transcript NM_000257.4 (MANE Select); coding-DNA position 445, G replaced by A.
Protein change: p.Glu149Lys; replaces glutamic acid 149 with lysine.
Molecular consequence: missense variant.
Genome position (GRCh38, 1-based): chr14:23,432,696, C>T on the plus strand (G>A on the coding strand, the complement: MYH7 is on the minus strand). VCF-style: chr14-23432696-C-T. GRCh37 (hg19) VCF-style: chr14-23901905-C-T.
Other names: c.445G>A (LRG_384t1, NM_000257.3); short protein forms E149K.
Identifiers: ClinVar variation 451564 (VCV000451564.43), dbSNP rs773740053, ClinGen allele CA042340.